The following is an entry in ClinVar:

ClinVar aggregate classification (germline): Uncertain significance (1 of 4 stars; one submission).

Conditions:
Charcot-Marie-Tooth disease type 4. Also called: Charcot-Marie-Tooth disease, type IV; Charcot-Marie-Tooth, Type 4. Identifiers: Orphanet 64749, MedGen C4082197, MONDO:0018995.

gnomAD v4.1: 4 of 1,614,182 alleles (0.00025%); highest among the groups gnomAD compares: Admixed American, 0.0017%; no homozygotes.

Submission:

Labcorp Genetics (formerly Invitae), Labcorp
Classification: Uncertain significance for Charcot-Marie-Tooth disease type 4. Last evaluated: 2024-12-23. Review status: criteria provided, single submitter. Criteria: Invitae Variant Classification Sherloc (09022015). Collection method: clinical testing. Allele origin: germline.
Comment: This sequence change replaces leucine, which is neutral and non-polar, with methionine, which is neutral and non-polar, at codon 1290 of the SBF2 protein (p.Leu1290Met). This variant is present in population databases (rs369969768, gnomAD 0.0009%). This variant has not been reported in the literature in individuals affected with SBF2-related conditions. Invitae Evidence Modeling of protein sequence and biophysical properties (such as structural, functional, and spatial information, amino acid conservation, physicochemical variation, residue mobility, and thermodynamic stability) has been performed for this missense variant. However, the output from this modeling did not meet the statistical confidence thresholds required to predict the impact of this variant on SBF2 protein function. In summary, the available evidence is currently insufficient to determine the role of this variant in disease. Therefore, it has been classified as a Variant of Uncertain Significance.

NM_030962.4(SBF2):c.3868C>A (p.Leu1290Met)

Gene: SBF2 (SET binding factor 2; minus strand). Cytogenetic location: 11p15.4.
Variant type: single nucleotide variant.
Coding change: c.3868C>A on transcript NM_030962.4 (MANE Select); coding-DNA position 3868, C replaced by A.
Protein change: p.Leu1290Met; replaces leucine 1290 with methionine.
Molecular consequence: missense variant.
Genome position (GRCh38, 1-based): chr11:9,816,950, G>T on the plus strand (C>A on the coding strand, the complement: SBF2 is on the minus strand). VCF-style: chr11-9816950-G-T. GRCh37 (hg19) VCF-style: chr11-9838497-G-T.
Other names: c.3964C>A, p.Leu1322Met (NM_001386339.1); c.3739C>A, p.Leu1247Met (NM_001386342.1); c.3904C>A, p.Leu1302Met (NM_001424318.1, NM_001425070.1); c.3763C>A, p.Leu1255Met (NM_001425069.1); short protein forms L1247M, L1255M, L1290M, L1302M, L1322M.
Identifiers: ClinVar variation 3626718 (VCV003626718.2).